The following is an entry in ClinVar:

NM_001080476.3(GRXCR1):c.777C>T (p.Ser259=)

Gene: GRXCR1 (glutaredoxin and cysteine rich domain containing 1; plus strand). Cytogenetic location: 4p13.
Variant type: single nucleotide variant.
Coding change: c.777C>T on transcript NM_001080476.3 (MANE Select); coding-DNA position 777, C replaced by T.
Protein change: p.Ser259=; no amino-acid change (serine 259 retained).
Molecular consequence: synonymous variant.
Genome position (GRCh38, 1-based): chr4:43,030,444, C>T. VCF-style: chr4-43030444-C-T. GRCh37 (hg19) VCF-style: chr4-43032461-C-T.
Identifiers: ClinVar variation 43889 (VCV000043889.20), dbSNP rs61733348, ClinGen allele CA133098.

ClinVar aggregate classification (germline): Benign/Likely benign. Review status: criteria provided, multiple submitters, no conflicts (2 of 4 stars). 6 submissions from 6 submitters: Benign (4); Likely benign (2). Last evaluated 2026-01-25.

Conditions:
Autosomal recessive nonsyndromic hearing loss 25. Identifiers: Orphanet 90636, MedGen C1414017, MONDO:0013210, OMIM 613285.

Allele frequency attached by ClinVar (database versions not stated): gnomAD 0.01525 and 0.01442; TOPMed 0.01656; gnomAD exomes 0.00136 and 0.00364; ExAC 0.00469; ESP Exome Variant Server 0.01457; 1000 Genomes Project 0.02216; 1000 Genomes Project 30x 0.02327.
gnomAD v4.1: 4,291 of 1,613,982 alleles (0.27%); highest among the groups gnomAD compares: African/African-American, 4.9%; 94 homozygotes.

Submissions (6):

Labcorp Genetics (formerly Invitae), Labcorp
Classification: Benign. Last evaluated: 2026-01-25. Review status: criteria provided, single submitter. Criteria: Invitae Variant Classification Sherloc (09022015). Collection method: clinical testing. Allele origin: germline.

Athena Diagnostics
Classification: Benign. Last evaluated: 2018-05-23. Review status: criteria provided, single submitter. Criteria: Athena Diagnostics Criteria. Collection method: clinical testing. Allele origin: germline.

GeneDx
Classification: Benign. Last evaluated: 2018-04-09. Review status: criteria provided, single submitter. Criteria: GeneDx Variant Classification (06012015). Collection method: clinical testing. Allele origin: germline. Affected: yes.
Comment: This variant is considered likely benign or benign based on one or more of the following criteria: it is a conservative change, it occurs at a poorly conserved position in the protein, it is predicted to be benign by multiple in silico algorithms, and/or has population frequency not consistent with disease.

Illumina Laboratory Services, Illumina
Classification: Likely benign for Autosomal recessive nonsyndromic hearing loss 25. Last evaluated: 2018-01-12. Review status: criteria provided, single submitter. Criteria: ICSL Variant Classification Criteria 13 December 2019. Collection method: clinical testing. Allele origin: germline.
Comment: This variant was observed in the ICSL laboratory as part of a predisposition screen in an ostensibly healthy population. It had not been previously curated by ICSL or reported in the Human Gene Mutation Database (HGMD: prior to June 1st, 2018), and was therefore a candidate for classification through an automated scoring system. Utilizing variant allele frequency, disease prevalence and penetrance estimates, and inheritance mode, an automated score was calculated to assess if this variant is too frequent to cause the disease. Based on the score and internal cut-off values, a variant classified as likely benign is not then subjected to further curation. The score for this variant resulted in a classification of likely benign for this disease.

Laboratory for Molecular Medicine, Mass General Brigham Personalized Medicine
Classification: Benign. Last evaluated: 2012-05-07. Review status: criteria provided, single submitter. Criteria: LMM Criteria. Collection method: clinical testing. Allele origin: germline. Observed: 23 variant alleles.
Comment: "Ser259Ser in Exon 04 of GRXCR1: This variant is not expected to have clinical s ignificance because it does not alter an amino acid residue, is not located with in the splice consensus sequence, and has been identified in 4.4% (142/3232) of African American chromosomes from a broad population by the NHLBI Exome Sequenci ng Project (dbSNP rs61733348)."

Breakthrough Genomics
Classification: Likely benign. Review status: criteria provided, single submitter. Criteria: ACMG Guidelines, 2015. Collection method: not provided. Allele origin: germline. Inheritance: Autosomal recessive inheritance. Affected: yes.